The following is an entry in ClinVar:

ClinVar aggregate classification (germline): Pathogenic (1 of 4 stars; one submission).

Submission:

Labcorp Genetics (formerly Invitae), Labcorp
Classification: Pathogenic. Last evaluated: 2025-01-06. Review status: criteria provided, single submitter. Criteria: Invitae Variant Classification Sherloc (09022015). Collection method: clinical testing. Allele origin: germline.
Comment: This sequence change affects the initiator methionine of the NDUFAF5 mRNA. The next in-frame methionine is located at codon 188. This variant is not present in population databases (gnomAD no frequency). Disruption of the initiator codon has been observed in individual(s) with mitochondrial complex I deficiency (PMID: 35379322). This variant disrupts a region of the NDUFAF5 protein in which other variant(s) (p.Leu159Phe) have been determined to be pathogenic (PMID: 19542079, 30369941, 34988976). This suggests that this is a clinically significant region of the protein, and that variants that disrupt it are likely to be disease-causing. For these reasons, this variant has been classified as Pathogenic.

Literature cited by the submitters: PubMed 35379322; PubMed 19542079; PubMed 30369941; PubMed 34988976.

NM_024120.5(NDUFAF5):c.1A>G (p.Met1Val)

Genes: NDUFAF5 (NADH:ubiquinone oxidoreductase complex assembly factor 5; plus strand), LOC130065433 (ATAC-STARR-seq lymphoblastoid active region 17552; plus strand). Cytogenetic location: 20p12.1.
Variant type: single nucleotide variant.
Coding change: c.1A>G on transcript NM_024120.5 (MANE Select); coding-DNA position 1, A replaced by G.
Protein change: p.Met1Val; changes the start codon (methionine 1).
Molecular consequence: missense variant, initiator codon variant. On other transcripts: 5 prime UTR variant (3), non-coding transcript variant (7).
Genome position (GRCh38, 1-based): chr20:13,785,069, A>G. VCF-style: chr20-13785069-A-G. GRCh37 (hg19) VCF-style: chr20-13765715-A-G.
Other names: c.1A>G, p.Met1Val (NM_001039375.3, NM_001352408.2); c.-367A>G (NM_001352403.2); c.-581A>G (NM_001352406.2); c.-695A>G (NM_001352407.2); short protein forms M1V.
Identifiers: ClinVar variation 3629234 (VCV003629234.2).